The following is an entry in ClinVar:

ClinVar aggregate classification (germline): Uncertain significance (1 of 4 stars; one submission).

Allele frequency attached by ClinVar (database versions not stated): gnomAD exomes 0.00001; TOPMed 0.00001; ExAC 0.00003.
gnomAD v4.1: 3 of 1,613,726 alleles (0.00019%); highest among the groups gnomAD compares: East Asian, 0.0067%; no homozygotes.

Submission:

Labcorp Genetics (formerly Invitae), Labcorp
Classification: Uncertain significance. Last evaluated: 2024-12-08. Review status: criteria provided, single submitter. Criteria: Invitae Variant Classification Sherloc (09022015). Collection method: clinical testing. Allele origin: germline.
Comment: This sequence change replaces aspartic acid, which is acidic and polar, with glycine, which is neutral and non-polar, at codon 224 of the PROM1 protein (p.Asp224Gly). This variant is present in population databases (rs752888928, gnomAD 0.04%). This variant has not been reported in the literature in individuals affected with PROM1-related conditions. ClinVar contains an entry for this variant (Variation ID: 2963293). Invitae Evidence Modeling of protein sequence and biophysical properties (such as structural, functional, and spatial information, amino acid conservation, physicochemical variation, residue mobility, and thermodynamic stability) indicates that this missense variant is not expected to disrupt PROM1 protein function with a negative predictive value of 80%. In summary, the available evidence is currently insufficient to determine the role of this variant in disease. Therefore, it has been classified as a Variant of Uncertain Significance.

NM_006017.3(PROM1):c.671A>G (p.Asp224Gly)

Gene: PROM1 (prominin 1; minus strand). Cytogenetic location: 4p15.32.
Variant type: single nucleotide variant.
Coding change: c.671A>G on transcript NM_006017.3 (MANE Select); coding-DNA position 671, A replaced by G.
Protein change: p.Asp224Gly; replaces aspartic acid 224 with glycine.
Molecular consequence: missense variant.
Genome position (GRCh38, 1-based): chr4:16,024,318, T>C on the plus strand (A>G on the coding strand, the complement: PROM1 is on the minus strand). VCF-style: chr4-16024318-T-C. GRCh37 (hg19) VCF-style: chr4-16025941-T-C.
Other names: c.644A>G, p.Asp215Gly (NM_001145847.2, NM_001145848.2, NM_001145851.2 and 4 more transcripts); c.671A>G, p.Asp224Gly (NM_001145849.2, NM_001145850.2); short protein forms D215G, D224G.
Identifiers: ClinVar variation 2963293 (VCV002963293.3), dbSNP rs752888928, ClinGen allele CA2867004.
Genomic context (GRCh38, chr4:16,024,318, plus strand): 5'-AGAAAAAAAATGTGAAGCAACTTTAAATTTTACTCACTGTTCAGATCTGTGAACGCCTTG[T>C]CCTTGGTAGTGTTGTACTGGGCCAATATATATTTGATTTGCTGAAAAAAGAACATTCTGT-3'
Protein context (NP_006008.1, residues 214-234): YILAQYNTTK[Asp224Gly]KAFTDLNSIN